The following continues an entry in ClinVar:

NM_000051.4(ATM):c.6916_6917del (p.Leu2307fs)

ClinVar aggregate classification (germline): Pathogenic. Pathogenic (1).

Submissions 11 to 16 of 16:

Women's Health and Genetics/Laboratory Corporation of America, LabCorp
Classification: Pathogenic for Ataxia-telangiectasia syndrome. Last evaluated: 2022-05-09. Review status: criteria provided, single submitter. Criteria: LabCorp Variant Classification Summary - May 2015. Collection method: clinical testing. Allele origin: germline. Not counted in ClinVar's aggregate classification.
Comment: Variant summary: ATM c.6916_6917delAG (p.Leu2307CysfsX65) results in a premature termination codon, predicted to cause a truncation of the encoded protein or absence of the protein due to nonsense mediated decay, which are commonly known mechanisms for disease. Truncations downstream of this position have been classified as pathogenic by our laboratory. The variant was absent in 251316 control chromosomes. c.6916_6917delAG has been reported in the literature in individuals affected with Ataxia-Telangiectasia (example, Stankovic_1998, Thompson_2005, Carney_2012, Jackson_2016) and ATM-related cancers (example, Decker_2017, Arvai_2019). These data indicate that the variant is likely to be associated with disease. Six clinical diagnostic laboratories have submitted clinical-significance assessments for this variant to ClinVar after 2014 without evidence for independent evaluation. All laboratories classified the variant as pathogenic. Based on the evidence outlined above, the variant was classified as pathogenic.

Sema4
Classification: Pathogenic for Hereditary cancer-predisposing syndrome. Last evaluated: 2021-07-08. Review status: criteria provided, single submitter. Criteria: Sema4 Curation Guidelines. Collection method: curation. Allele origin: germline. Not counted in ClinVar's aggregate classification.
Comment: The ATM c.6916_6917delAG (p.L2307CfsX65) variant has been reported as compound heterozygosity in at least one individuals with ataxia telangiectasia (PMID: 9463314, 22649200). It has also been reported in numerous individuals with breast cancer (PMID: 28779002, 32885271, 33471991). This variant causes a frameshift at amino acid 2307 that results in premature termination 65 amino acids downstream. At this location, this is predicted to cause nonsense-mediated decay and result in an absent protein (loss of function). Loss of function variants in ATM are known to be pathogenic (PMID: 31050087). This variant is not reported in the population database Genome Aggregation Database (PMID: 32461654). This variant has been reported in ClinVar (Variation ID: 236760). Based on the current evidence available, this variant is interpreted as pathogenic.

Institute of Medical Genetics and Applied Genomics, University Hospital Tübingen
Classification: Pathogenic. Last evaluated: 2020-10-23. Review status: criteria provided, single submitter. Criteria: ACMG Guidelines, 2015. Collection method: clinical testing. Allele origin: germline. Inheritance: Unknown mechanism. Affected: yes. Not counted in ClinVar's aggregate classification.

Department of Pathology and Laboratory Medicine, Sinai Health System
Classification: Pathogenic for Familial cancer of breast. Last evaluated: 2019-04-02. Review status: criteria provided, single submitter. Criteria: ACMG Guidelines, 2015. Collection method: clinical testing. Allele origin: germline. Affected: yes. Not counted in ClinVar's aggregate classification.

Natera, Inc.
Classification: Pathogenic for Ataxia-telangiectasia. Last evaluated: 2021-09-13. Review status: no assertion criteria provided. Collection method: clinical testing. Allele origin: germline. Not counted in ClinVar's aggregate classification.

Department of Pathology and Laboratory Medicine, Sinai Health System
Classification: Pathogenic for Malignant tumor of breast. Review status: no assertion criteria provided. Collection method: clinical testing. Allele origin: unknown. Affected: yes. Study: The Canadian Open Genetics Repository (COGR). Not counted in ClinVar's aggregate classification.
Comment: The ATM p.Leu2307Cysfs*65 variant was identified in 1 of 156 proband chromosomes (frequency: 0.006) from individuals or families with Ataxia-Telangiectasia in the British Isles (Stankovic 1996). The variant was also identified in dbSNP (ID: rs878853535) as â€šÃ„ÃºWith Pathogenic alleleâ€šÃ„Ã¹, ClinVar (2x as pathogenic by Invitae, GeneDx) and LOVD 3.0 (1x). The variant was not identified in the following databases: the Exome Aggregation Consortium (August 8th 2016), or the Genome Aggregation Database (Feb 27, 2017). The c.6916_6917del variant is predicted to cause a frameshift, which alters the protein's amino acid sequence beginning at codon 2307 and leads to a premature stop codon 65 codons downstream. This alteration is then predicted to result in a truncated or absent protein and loss of function. Loss of function variants of the ATM gene are an established mechanism of disease in ATM associated disease and is the type of variant expected to cause the disorder. In summary, based on the above information this variant meets our laboratoryâ€šÃ„Ã´s criteria to be classified as pathogenic

Literature cited by the submitters: PubMed 23807571 (cited by Labcorp Genetics (formerly Invitae), Labcorp); PubMed 25614872 (cited by Labcorp Genetics (formerly Invitae), Labcorp); PubMed 9463314 (cited by 6 submitters); PubMed 22649200 (cited by 4 submitters); PubMed 28779002 (cited by 4 submitters); PubMed 29522266 (cited by Ambry Genetics and Color Diagnostics, LLC DBA Color Health); PubMed 31341520 (cited by Ambry Genetics and Women's Health and Genetics/Laboratory Corporation of America, LabCorp); PubMed 32885271 (cited by Ambry Genetics and Sema4); PubMed 33471991 (cited by Color Diagnostics, LLC DBA Color Health and Sema4); PubMed 15928302 (cited by Women's Health and Genetics/Laboratory Corporation of America, LabCorp); PubMed 26896183 (cited by Women's Health and Genetics/Laboratory Corporation of America, LabCorp); PubMed 31050087 (cited by Sema4).